The following is an entry in ClinVar:

NM_015215.4(CAMTA1):c.1128G>A (p.Pro376=)

Gene: CAMTA1 (calmodulin binding transcription activator 1; plus strand). Cytogenetic location: 1p36.23.
Variant type: single nucleotide variant.
Coding change: c.1128G>A on transcript NM_015215.4 (MANE Select); coding-DNA position 1128, G replaced by A.
Protein change: p.Pro376=; no amino-acid change (proline 376 retained).
Molecular consequence: synonymous variant.
Genome position (GRCh38, 1-based): chr1:7,663,675, G>A. VCF-style: chr1-7663675-G-A. GRCh37 (hg19) VCF-style: chr1-7723735-G-A.
Other names: c.1038G>A, p.Pro346= (NM_001349608.2, NM_001349612.2); c.1128G>A, p.Pro376= (NM_001349609.2, NM_001349610.2, NM_001410737.1); c.1056G>A, p.Pro352= (NM_001410738.1); c.1128G>A (NM_015215.3).
Identifiers: ClinVar variation 2197880 (VCV002197880.14), dbSNP rs760201398, ClinGen allele CA566374.

ClinVar aggregate classification (germline): Likely benign. Review status: criteria provided, multiple submitters, no conflicts (2 of 4 stars). 3 submissions from 3 submitters: Likely benign (2). 1 of the submissions does not count toward it. Last evaluated 2025-10-19.

Conditions:
CAMTA1-related disorder. Also called: CAMTA1-related condition.

Allele frequency attached by ClinVar (database versions not stated): TOPMed 0.00002; gnomAD 0.00005; ExAC 0.00006; gnomAD exomes 0.00009.
gnomAD v4.1: 144 of 1,614,040 alleles (0.0089%); highest among the groups gnomAD compares: South Asian, 0.031%; no homozygotes.

Submissions (3):

Labcorp Genetics (formerly Invitae), Labcorp
Classification: Likely benign. Last evaluated: 2025-10-19. Review status: criteria provided, single submitter. Criteria: Invitae Variant Classification Sherloc (09022015). Collection method: clinical testing. Allele origin: germline.

CeGaT Center for Human Genetics Tuebingen
Classification: Likely benign. Last evaluated: 2025-07-01. Review status: criteria provided, single submitter. Criteria: CeGaT Center For Human Genetics Tuebingen Variant Classification Criteria Version 2. Collection method: clinical testing. Allele origin: germline. Affected: yes. Observed: 1 variant allele.
Comment: CAMTA1: BP4, BP7

PreventionGenetics, part of Exact Sciences
Classification: Likely benign for CAMTA1-related condition. Last evaluated: 2019-09-13. Review status: no assertion criteria provided. Collection method: clinical testing. Allele origin: germline. Not counted in ClinVar's aggregate classification.
Comment: This variant is classified as likely benign based on ACMG/AMP sequence variant interpretation guidelines (Richards et al. 2015 PMID: 25741868, with internal and published modifications).